The following is an entry in ClinVar:

ClinVar aggregate classification (germline): Pathogenic (1 of 4 stars; one submission).

Submission:

Labcorp Genetics (formerly Invitae), Labcorp
Classification: Pathogenic. Last evaluated: 2022-06-09. Review status: criteria provided, single submitter. Criteria: Invitae Variant Classification Sherloc (09022015). Collection method: clinical testing. Allele origin: germline.
Comment: For these reasons, this variant has been classified as Pathogenic. This variant has not been reported in the literature in individuals affected with APOC2-related conditions. A gross deletion of the genomic region encompassing the full coding sequence of the APOC2 gene has been identified. Loss-of-function variants in APOC2 are known to be pathogenic (PMID: 1569385, 1971748, 26772541). The boundaries of this event are unknown as they extend beyond the assayed region for this gene and therefore may encompass additional genes.

Literature cited by the submitters: PubMed 1569385; PubMed 1971748; PubMed 26772541.

NC_000019.9:g.(?_45451736)_(45452506_?)del

Gene: APOC2 (apolipoprotein C2; plus strand). Cytogenetic location: 19q13.32.
Variant type: Deletion.
Identifiers: ClinVar variation 2423146 (VCV002423146.4).